The following is an entry in ClinVar:

NM_198253.3(TERT):c.2905A>C (p.Asn969His)

Gene: TERT (telomerase reverse transcriptase; minus strand). Cytogenetic location: 5p15.33.
Variant type: single nucleotide variant.
Coding change: c.2905A>C on transcript NM_198253.3 (MANE Select); coding-DNA position 2905, A replaced by C.
Protein change: p.Asn969His; replaces asparagine 969 with histidine.
Molecular consequence: missense variant. On other transcripts: non-coding transcript variant (2).
Genome position (GRCh38, 1-based): chr5:1,260,539, T>G on the plus strand (A>C on the coding strand, the complement: TERT is on the minus strand). VCF-style: chr5-1260539-T-G. GRCh37 (hg19) VCF-style: chr5-1260654-T-G.
Other names: c.2716A>C, p.Asn906His (NM_001193376.3); short protein forms N906H, N969H.
Identifiers: ClinVar variation 1468916 (VCV001468916.10), dbSNP rs1748154333, ClinGen allele CA359070053.

ClinVar aggregate classification (germline): Uncertain significance. Review status: criteria provided, multiple submitters, no conflicts (2 of 4 stars). 2 submissions from 2 submitters: Uncertain significance (2). Last evaluated 2022-08-24.

Conditions:
Dyskeratosis congenita. Identifiers: Orphanet 1775, MedGen C0265965, MONDO:0015780.
Dyskeratosis congenita, autosomal dominant 2. Identifiers: MedGen C3151443, MONDO:0013521, OMIM 613989.
Idiopathic Pulmonary Fibrosis. Also called: Idiopathic fibrosing alveolitis, chronic form; idiopathic fibrosing alveolitis. Identifiers: Orphanet 2032, MedGen C1800706, MeSH D054990, MONDO:0800504.

Allele frequency attached by ClinVar (database versions not stated): gnomAD exomes below 0.00001; TOPMed below 0.00001; gnomAD 0.00001.
gnomAD v4.1: 2 of 1,614,076 alleles (0.00012%); highest among the groups gnomAD compares: Non-Finnish European, 0.00017%; no homozygotes.

Submissions (2):

Ambry Genetics
Classification: Uncertain significance for Dyskeratosis congenita. Last evaluated: 2022-08-24. Review status: criteria provided, single submitter. Criteria: Ambry Variant Classification Scheme 2023. Collection method: clinical testing. Allele origin: germline.
Comment: The p.N969H variant (also known as c.2905A>C), located in coding exon 12 of the TERT gene, results from an A to C substitution at nucleotide position 2905. The asparagine at codon 969 is replaced by histidine, an amino acid with similar properties. This amino acid position is conserved. In addition, this alteration is predicted to be tolerated by in silico analysis. Since supporting evidence is limited at this time, the clinical significance of this alteration remains unclear.

Labcorp Genetics (formerly Invitae), Labcorp
Classification: Uncertain significance for Dyskeratosis congenita, autosomal dominant 2; Idiopathic Pulmonary Fibrosis. Last evaluated: 2022-01-27. Review status: criteria provided, single submitter. Criteria: Invitae Variant Classification Sherloc (09022015). Collection method: clinical testing. Allele origin: germline.
Comment: In summary, the available evidence is currently insufficient to determine the role of this variant in disease. Therefore, it has been classified as a Variant of Uncertain Significance. Algorithms developed to predict the effect of missense changes on protein structure and function are either unavailable or do not agree on the potential impact of this missense change (SIFT: "Tolerated"; PolyPhen-2: "Possibly Damaging"; Align-GVGD: "Class C0"). This variant has not been reported in the literature in individuals affected with TERT-related conditions. This variant is not present in population databases (gnomAD no frequency). This sequence change replaces asparagine, which is neutral and polar, with histidine, which is basic and polar, at codon 969 of the TERT protein (p.Asn969His).